The following is an entry in ClinVar:

ClinVar aggregate classification (germline): Uncertain significance (1 of 4 stars; one submission).

Conditions:
Hereditary cancer-predisposing syndrome. Also called: Hereditary Cancer Syndrome; Hereditary neoplastic syndrome; Neoplastic Syndromes, Hereditary; Tumor predisposition. Identifiers: Orphanet 140162, MedGen C0027672, MeSH D009386, MONDO:0015356.

Submission:

Ambry Genetics
Classification: Uncertain significance for Hereditary cancer-predisposing syndrome. Last evaluated: 2026-09-09. Review status: criteria provided, single submitter. Criteria: Ambry Variant Classification Scheme 2023. Collection method: clinical testing. Allele origin: germline.
Comment: The p.C102R variant (also known as c.304T>C), located in coding exon 3 of the RB1 gene, results from a T to C substitution at nucleotide position 304. The cysteine at codon 102 is replaced by arginine, an amino acid with highly dissimilar properties. This amino acid position is highly conserved in available vertebrate species. In addition, this alteration is predicted to be deleterious by in silico analysis. Based on the available evidence, the clinical significance of this variant remains unclear.

NM_000321.3(RB1):c.304T>C (p.Cys102Arg)

Gene: RB1 (RB transcriptional corepressor 1; plus strand). Cytogenetic location: 13q14.2.
Variant type: single nucleotide variant.
Coding change: c.304T>C on transcript NM_000321.3 (MANE Select); coding-DNA position 304, T replaced by C.
Protein change: p.Cys102Arg; replaces cysteine 102 with arginine.
Molecular consequence: missense variant.
Genome position (GRCh38, 1-based): chr13:48,342,638, T>C. VCF-style: chr13-48342638-T-C. GRCh37 (hg19) VCF-style: chr13-48916774-T-C.
Other names: c.304T>C, p.Cys102Arg (NM_001407165.1, NM_001407166.1); short protein forms C102R.
Identifiers: ClinVar variation 1799258 (VCV001799258.3), dbSNP rs2138083717, ClinGen allele CA388252397.